The following is an entry in ClinVar:

ClinVar aggregate classification (germline): Pathogenic (1 of 4 stars; one submission).

Submission:

Labcorp Genetics (formerly Invitae), Labcorp
Classification: Pathogenic. Last evaluated: 2024-10-29. Review status: criteria provided, single submitter. Criteria: Invitae Variant Classification Sherloc (09022015). Collection method: clinical testing. Allele origin: germline.
Comment: This sequence change creates a premature translational stop signal (p.Gln428*) in the CYP19A1 gene. While this is not anticipated to result in nonsense mediated decay, it is expected to disrupt the last 76 amino acid(s) of the CYP19A1 protein. This variant is not present in population databases (gnomAD no frequency). This variant has not been reported in the literature in individuals affected with CYP19A1-related conditions. Experimental studies and prediction algorithms are not available or were not evaluated, and the functional significance of this variant is currently unknown. This variant disrupts a region of the CYP19A1 protein in which other variant(s) (p.Arg435Cys) have been determined to be pathogenic (internal data). This suggests that this is a clinically significant region of the protein, and that variants that disrupt it are likely to be disease-causing. For these reasons, this variant has been classified as Pathogenic.

NM_000103.4(CYP19A1):c.1282C>T (p.Gln428Ter)

Genes: CYP19A1 (cytochrome P450 family 19 subfamily A member 1; minus strand), MIR4713HG (MIR4713 host gene; plus strand), PIRC66 (piwi-interacting RNA cluster 66; plus strand). Cytogenetic location: 15q21.2.
Variant type: single nucleotide variant.
Coding change: c.1282C>T on transcript NM_000103.4 (MANE Select); coding-DNA position 1282, C replaced by T.
Protein change: p.Gln428Ter; replaces glutamine 428 with a stop codon.
Molecular consequence: nonsense.
Genome position (GRCh38, 1-based): chr15:51,211,038, G>A on the plus strand (C>T on the coding strand, the complement: CYP19A1 is on the minus strand). VCF-style: chr15-51211038-G-A. GRCh37 (hg19) VCF-style: chr15-51503235-G-A.
Other names: c.1282C>T, p.Gln428Ter (NM_001347248.1, NM_001347249.2, NM_001347250.2 and 7 more transcripts); short protein forms Q428*.
Identifiers: ClinVar variation 3633001 (VCV003633001.2).